The following is an entry in ClinVar:

NM_182894.3(VSX2):c.174del (p.His60fs)

Gene: VSX2 (visual system homeobox 2; plus strand). Cytogenetic location: 14q24.3.
Variant type: Deletion.
Coding change: c.174del on transcript NM_182894.3 (MANE Select); coding-DNA position 174, one base deleted (C; older notation c.174delC).
Protein change: p.His60fs; shifts the reading frame from histidine 60.
Molecular consequence: frameshift variant.
Genome position (GRCh38, 1-based): chr14:74,239,735, C deleted; the last of 5 consecutive C bases (chr14:74,239,731-74,239,735); deleting any one gives the same sequence. VCF-style (leftmost placement, unchanged base first): chr14-74239730-GC-G. GRCh37 (hg19) VCF-style: chr14-74706433-GC-G.
Other names: short protein forms H60fs.
Identifiers: ClinVar variation 4817008 (VCV004817008.1).

ClinVar aggregate classification (germline): Likely pathogenic (1 of 4 stars; one submission).

Conditions:
Microphthalmia. Also called: Microphthalmos. Identifiers: MedGen C0026010, MONDO:0021129, HP:0000568.

Submission:

Natera, Inc.
Classification: Likely pathogenic for Microphthalmia. Last evaluated: 2024-05-14. Review status: criteria provided, single submitter. Criteria: Natera Variant Classification Schema (03/2026). Collection method: clinical testing. Allele origin: germline.
Comment: The c.174del variant in VSX2 is a frameshift variant predicted to shift the reading frame beginning at codon 60 and leads to a stop codon 81 codons downstream. This variant is expected to result in nonsense mediated decay, truncation, or a dysfunctional protein product. This variant is rare in the general population with a frequency below the threshold expected for the associated phenotype(s). Given the available evidence, this variant is classified as Likely Pathogenic.